The following is an entry in ClinVar:

NM_001142966.3(GREB1L):c.-7G>A

Genes: GREB1L (GREB1 like retinoic acid receptor coactivator; plus strand), GREB1L-AS1 (GREB1L antisense RNA 1; minus strand). Cytogenetic location: 18q11.1.
Variant type: single nucleotide variant.
Coding change: c.-7G>A on transcript NM_001142966.3 (MANE Select); 7 bases upstream of the start codon, G replaced by A.
Molecular consequence: 5 prime UTR variant.
Genome position (GRCh38, 1-based): chr18:21,383,512, G>A. VCF-style: chr18-21383512-G-A. GRCh37 (hg19) VCF-style: chr18-18963473-G-A.
Other names: c.-7G>A (NM_001410867.1, NM_001410868.1).
Identifiers: ClinVar variation 3042873 (VCV003042873.2), dbSNP rs73432789, ClinGen allele CA8906270.

ClinVar aggregate classification (germline): Benign (0 of 4 stars; one submission).

Conditions:
GREB1L-related disorder. Also called: GREB1L-related condition.

Allele frequency attached by ClinVar (database versions not stated): gnomAD exomes 0.00065; ExAC 0.00286; gnomAD 0.00753; TOPMed 0.00832; 1000 Genomes Project 0.00879; 1000 Genomes Project 30x 0.00906.
gnomAD v4.1: 2,087 of 1,530,720 alleles (0.14%); highest among the groups gnomAD compares: African/African-American, 2.7%; 29 homozygotes.

Submission:

PreventionGenetics, part of Exact Sciences
Classification: Benign for GREB1L-related condition. Last evaluated: 2019-07-01. Review status: no assertion criteria provided. Collection method: clinical testing. Allele origin: germline.
Comment: This variant is classified as benign based on ACMG/AMP sequence variant interpretation guidelines (Richards et al. 2015 PMID: 25741868, with internal and published modifications).